The following is an entry in ClinVar:

ClinVar aggregate classification (germline): Uncertain significance (1 of 4 stars; one submission).

Conditions:
Salla disease (SD). Also called: Less Severe FSASD (Salla Disease); Sialuria, Finnish type; N-acetylneuraminic acid (NANA) storage disease (NSD); Infantile sialic acid storage disorder (ISSD). Identifiers: Orphanet 309334, Orphanet 834, MedGen C1096903, MONDO:0011449, OMIM 604369.

Allele frequency attached by ClinVar (database versions not stated): gnomAD exomes below 0.00001; TOPMed 0.00001.
gnomAD v4.1: 5 of 1,610,228 alleles (0.00031%); highest among the groups gnomAD compares: Admixed American, 0.005%; no homozygotes.

Submission:

Labcorp Genetics (formerly Invitae), Labcorp
Classification: Uncertain significance for Salla disease. Last evaluated: 2022-09-23. Review status: criteria provided, single submitter. Criteria: Invitae Variant Classification Sherloc (09022015). Collection method: clinical testing. Allele origin: germline.
Comment: This sequence change replaces glutamine, which is neutral and polar, with arginine, which is basic and polar, at codon 253 of the SLC17A5 protein (p.Gln253Arg). This variant is present in population databases (no rsID available, gnomAD 0.009%). This variant has not been reported in the literature in individuals affected with SLC17A5-related conditions. Advanced modeling of protein sequence and biophysical properties (such as structural, functional, and spatial information, amino acid conservation, physicochemical variation, residue mobility, and thermodynamic stability) performed at Invitae indicates that this missense variant is not expected to disrupt SLC17A5 protein function. In summary, the available evidence is currently insufficient to determine the role of this variant in disease. Therefore, it has been classified as a Variant of Uncertain Significance.

NM_012434.5(SLC17A5):c.758A>G (p.Gln253Arg)

Gene: SLC17A5 (solute carrier family 17 member 5; minus strand). Cytogenetic location: 6q13.
Variant type: single nucleotide variant.
Coding change: c.758A>G on transcript NM_012434.5 (MANE Select); coding-DNA position 758, A replaced by G.
Protein change: p.Gln253Arg; replaces glutamine 253 with arginine.
Molecular consequence: missense variant.
Genome position (GRCh38, 1-based): chr6:73,635,443, T>C on the plus strand (A>G on the coding strand, the complement: SLC17A5 is on the minus strand). VCF-style: chr6-73635443-T-C. GRCh37 (hg19) VCF-style: chr6-74345166-T-C.
Other names: c.527A>G, p.Gln176Arg (NM_001382629.1); c.758A>G, p.Gln253Arg (NM_001382630.1, NM_001382633.1, NM_001382634.1); c.779A>G, p.Gln260Arg (NM_001382631.1); c.671A>G, p.Gln224Arg (NM_001382632.1); c.755A>G, p.Gln252Arg (NM_001382635.1); c.440A>G, p.Gln147Arg (NM_001382636.1); short protein forms Q147R, Q176R, Q224R, Q260R, Q252R, Q253R.
Identifiers: ClinVar variation 1986380 (VCV001986380.1), dbSNP rs1246171001, ClinGen allele CA364716115.